The following is an entry in ClinVar:

ClinVar aggregate classification (germline): Pathogenic (1 of 4 stars; one submission).

Conditions:
Marfan syndrome (MFS). Also called: MARFAN SYNDROME, TYPE I; Marfan syndrome type 1; Marfan's syndrome; Marfan syndrome, classic; FBN1-Related Marfan Syndrome. Identifiers: Orphanet 284963, Orphanet 558, MedGen C0024796, MONDO:0007947, OMIM 154700.

Submission:

Centro de Genética y Biología Molecular, Universidad de San Martín de Porres
Classification: Pathogenic for Marfan syndrome. Last evaluated: 2025-01-20. Review status: criteria provided, single submitter. Criteria: ACMG Guidelines, 2015. Collection method: research. Allele origin: unknown. Inheritance: Autosomal dominant inheritance. Affected: yes.
Comment: It is classified as Pathogenic . This partial duplication of chromosome 15 has an unknown inheritance and is consistent with reported clinical features of Marfan syndrome. Duplication comprises exons 50 to 54 of the FBN1 gene.

Single allele

Gene: FBN1 (fibrillin 1; minus strand). Cytogenetic location: 15q21.1.
Variant type: Duplication.
Identifiers: ClinVar variation 4279515 (VCV004279515.1).